The following is an entry in ClinVar:

NM_001145358.2(SIN3A):c.799C>T (p.Pro267Ser)

Gene: SIN3A (SIN3 transcription regulator family member A; minus strand). Cytogenetic location: 15q24.2.
Variant type: single nucleotide variant.
Coding change: c.799C>T on transcript NM_001145358.2 (MANE Select); coding-DNA position 799, C replaced by T.
Protein change: p.Pro267Ser; replaces proline 267 with serine.
Molecular consequence: missense variant.
Genome position (GRCh38, 1-based): chr15:75,411,701, G>A on the plus strand (C>T on the coding strand, the complement: SIN3A is on the minus strand). VCF-style: chr15-75411701-G-A. GRCh37 (hg19) VCF-style: chr15-75704042-G-A.
Other names: c.799C>T, p.Pro267Ser (NM_001145357.2, NM_001437462.1, NM_001437463.1 and 1 more transcripts); short protein forms P267S.
Identifiers: ClinVar variation 4742537 (VCV004742537.1).

ClinVar aggregate classification (germline): Uncertain significance (1 of 4 stars; one submission).

Submission:

Labcorp Genetics (formerly Invitae), Labcorp
Classification: Uncertain significance. Last evaluated: 2025-04-17. Review status: criteria provided, single submitter. Criteria: Invitae Variant Classification Sherloc (09022015). Collection method: clinical testing. Allele origin: germline.
Comment: This sequence change replaces proline, which is neutral and non-polar, with serine, which is neutral and polar, at codon 267 of the SIN3A protein (p.Pro267Ser). This variant is not present in population databases (gnomAD no frequency). This variant has not been reported in the literature in individuals affected with SIN3A-related conditions. Invitae Evidence Modeling of protein sequence and biophysical properties (such as structural, functional, and spatial information, amino acid conservation, physicochemical variation, residue mobility, and thermodynamic stability) indicates that this missense variant is not expected to disrupt SIN3A protein function with a negative predictive value of 80%. In summary, the available evidence is currently insufficient to determine the role of this variant in disease. Therefore, it has been classified as a Variant of Uncertain Significance.